The following is an entry in ClinVar:

NM_005908.4(MANBA):c.1101_1111del (p.Thr368fs)

Gene: MANBA (mannosidase beta; minus strand). Cytogenetic location: 4q24.
Variant type: Deletion.
Coding change: c.1101_1111del on transcript NM_005908.4 (MANE Select); coding-DNA positions 1101 to 1111, 11 bases deleted (AACCTCTGAGT).
Protein change: p.Thr368fs; shifts the reading frame from threonine 368.
Molecular consequence: frameshift variant.
Genome position (GRCh38, 1-based): chr4:102,673,920-102,673,930, ACTCAGAGGTT deleted on the plus strand (AACCTCTGAGT on the coding strand, the reverse complement: MANBA is on the minus strand); deleting any 11 consecutive bases within chr4:102,673,920-102,673,934 gives the same sequence; the c. name uses the placement nearest the transcript's 3' end. VCF-style (leftmost placement, unchanged base first): chr4-102673919-AACTCAGAGGTT-A. GRCh37 (hg19) VCF-style: chr4-103595076-AACTCAGAGGTT-A.
Other names: short protein forms T368fs.
Identifiers: ClinVar variation 2760943 (VCV002760943.3), dbSNP rs2476786433, ClinGen allele CA2697546837.

ClinVar aggregate classification (germline): Pathogenic (1 of 4 stars; one submission).

Conditions:
Beta-D-mannosidosis (MANSB). Also called: Beta-Mannosidosis; MANNOSIDOSIS, BETA A, LYSOSOMAL; BETA-MANNOSIDASE DEFICIENCY; LYSOSOMAL BETA-MANNOSIDASE DEFICIENCY. Identifiers: Orphanet 118, MedGen C4048196, MONDO:0009562, OMIM 248510.

Submission:

Labcorp Genetics (formerly Invitae), Labcorp
Classification: Pathogenic for Beta-D-mannosidosis. Last evaluated: 2023-09-15. Review status: criteria provided, single submitter. Criteria: Invitae Variant Classification Sherloc (09022015). Collection method: clinical testing. Allele origin: germline.
Comment: For these reasons, this variant has been classified as Pathogenic. This sequence change creates a premature translational stop signal (p.Thr368Valfs*12) in the MANBA gene. It is expected to result in an absent or disrupted protein product. Loss-of-function variants in MANBA are known to be pathogenic (PMID: 9384606, 12468273). This variant is not present in population databases (gnomAD no frequency). This variant has not been reported in the literature in individuals affected with MANBA-related conditions. Algorithms developed to predict the effect of sequence changes on RNA splicing suggest that this variant may disrupt the consensus splice site.

Literature cited by the submitters: PubMed 9384606; PubMed 12468273.